The following is an entry in ClinVar:

NM_001374828.1(ARID1B):c.5032_5034del (p.Ser1678del)

Gene: ARID1B (AT-rich interaction domain 1B; plus strand). Cytogenetic location: 6q25.3.
Variant type: Deletion.
Coding change: c.5032_5034del on transcript NM_001374828.1 (MANE Select); coding-DNA positions 5032 to 5034, 3 bases deleted (AGC; older notation c.5032_5034delAGC).
Protein change: p.Ser1678del; deletes serine 1678.
Molecular consequence: inframe deletion. On other transcripts: inframe indel (3).
Genome position (GRCh38, 1-based): chr6:157,201,257-157,201,259, AGC deleted; deleting any 3 consecutive bases within chr6:157,201,256-157,201,259 gives the same sequence; the c. name uses the placement nearest the transcript's 3' end. VCF-style (leftmost placement, unchanged base first): chr6-157201255-CCAG-C. GRCh37 (hg19) VCF-style: chr6-157522389-CCAG-C.
Other names: c.4783_4785delAGC, p.Ser1595del (NM_001346813.1); c.2533_2535del, p.Ser845del (NM_001363725.2); c.4912_4914del, p.Ser1638del (NM_001371656.1, NM_001374820.1); c.4873_4875del, p.Ser1625del (NM_017519.3); c.4663_4665delAGC, p.Ser1555del (NM_020732.3); c.4450_4452delAGC, p.Ser1484del (NM_175863.2); short protein forms S1484del, S1678del, S1555del, S1638del, S1595del, S1625del, S845del.
Identifiers: ClinVar variation 2020611 (VCV002020611.4), dbSNP rs1210543777, ClinGen allele CA821318102.
Genomic context (GRCh38, chr6:157,201,255, plus strand): 5'-GCCCACCACAGCCGTCCTACCAGACGCCACCGTCACTGCCAAATCACATCTCCAGGGCGC[CCAG>C]CCCAGCGTCCTTCCAGCGCTCCCTGGAGAACCGCATGTCTCCAAGCAAGTCTCCTTTTCT-3'

ClinVar aggregate classification (germline): Uncertain significance (1 of 4 stars; one submission).

Submission:

Labcorp Genetics (formerly Invitae), Labcorp
Classification: Uncertain significance. Last evaluated: 2022-07-30. Review status: criteria provided, single submitter. Criteria: Invitae Variant Classification Sherloc (09022015). Collection method: clinical testing. Allele origin: germline.
Comment: This variant is not present in population databases (gnomAD no frequency). This variant has not been reported in the literature in individuals affected with ARID1B-related conditions. Experimental studies and prediction algorithms are not available or were not evaluated, and the functional significance of this variant is currently unknown. In summary, the available evidence is currently insufficient to determine the role of this variant in disease. Therefore, it has been classified as a Variant of Uncertain Significance. This variant, c.4663_4665del, results in the deletion of 1 amino acid(s) of the ARID1B protein (p.Ser1555del), but otherwise preserves the integrity of the reading frame.